The following is an entry in ClinVar:

ClinVar aggregate classification (germline): Uncertain significance (1 of 4 stars; one submission).

Conditions:
Tyrosinemia type II (TYRSN2). Also called: OREGON TYPE TYROSINEMIA; TAT DEFICIENCY; TYROSINE AMINOTRANSFERASE DEFICIENCY; TYROSINE TRANSAMINASE DEFICIENCY; KERATOSIS PALMOPLANTARIS WITH CORNEAL DYSTROPHY. Identifiers: Orphanet 28378, MedGen C0268487, MONDO:0010160, OMIM 276600.

Allele frequency attached by ClinVar (database versions not stated): gnomAD exomes below 0.00001; gnomAD 0.00001.

Submission:

Labcorp Genetics (formerly Invitae), Labcorp
Classification: Uncertain significance for Tyrosinemia type II. Last evaluated: 2021-09-01. Review status: criteria provided, single submitter. Criteria: Invitae Variant Classification Sherloc (09022015). Collection method: clinical testing. Allele origin: germline.
Comment: This sequence change replaces arginine with glutamine at codon 239 of the TAT protein (p.Arg239Gln). The arginine residue is highly conserved and there is a small physicochemical difference between arginine and glutamine. This variant is not present in population databases (ExAC no frequency). This variant has not been reported in the literature in individuals affected with TAT-related conditions. Algorithms developed to predict the effect of missense changes on protein structure and function (SIFT, PolyPhen-2, Align-GVGD) all suggest that this variant is likely to be tolerated. In summary, the available evidence is currently insufficient to determine the role of this variant in disease. Therefore, it has been classified as a Variant of Uncertain Significance.

NM_000353.3(TAT):c.716G>A (p.Arg239Gln)

Genes: TAT (tyrosine aminotransferase; minus strand), TAT-AS1 (TAT antisense RNA 1; plus strand). Cytogenetic location: 16q22.2.
Variant type: single nucleotide variant.
Coding change: c.716G>A on transcript NM_000353.3 (MANE Select); coding-DNA position 716, G replaced by A.
Protein change: p.Arg239Gln; replaces arginine 239 with glutamine.
Molecular consequence: missense variant.
Genome position (GRCh38, 1-based): chr16:71,571,649, C>T on the plus strand (G>A on the coding strand, the complement: TAT is on the minus strand). VCF-style: chr16-71571649-C-T. GRCh37 (hg19) VCF-style: chr16-71605552-C-T.
Other names: short protein forms R239Q.
Identifiers: ClinVar variation 665181 (VCV000665181.6), dbSNP rs1597053922, ClinGen allele CA396652085.
Genomic context (GRCh38, chr16:71,571,649, plus strand): 5'-TCCTGATCAAGACTCACCATGTCTCCATAGATCTCATCAGCTAAGATGGGGACACACTGC[C>T]GTGCAGCCACTGAAAATAAAACATGCTGAAATCAGTTTTAATGTGAATTGCTTTATCATG-3'
Protein context (NP_000344.1, residues 229-249): HLQKILAVAA[Arg239Gln]QCVPILADEI